The following is an entry in ClinVar:

ClinVar aggregate classification (germline): Uncertain significance. Review status: criteria provided, multiple submitters, no conflicts (2 of 4 stars). 2 submissions from 2 submitters: Uncertain significance (2). Last evaluated 2025-12-24.

Conditions:
Haddad syndrome (OHD). Also called: Ondine-Hirschsprung disease. Identifiers: Orphanet 99803, MedGen C1859049, MONDO:0020493.
Hereditary cancer-predisposing syndrome. Also called: Neoplastic Syndromes, Hereditary; Tumor predisposition; Hereditary Cancer Syndrome; Hereditary neoplastic syndrome. Identifiers: Orphanet 140162, MedGen C0027672, MeSH D009386, MONDO:0015356.

Submissions (2):

Labcorp Genetics (formerly Invitae), Labcorp
Classification: Uncertain significance for Haddad syndrome. Last evaluated: 2025-12-24. Review status: criteria provided, single submitter. Criteria: Invitae Variant Classification Sherloc (09022015). Collection method: clinical testing. Allele origin: germline.
Comment: This sequence change replaces tyrosine, which is neutral and polar, with cysteine, which is neutral and slightly polar, at codon 83 of the PHOX2B protein (p.Tyr83Cys). This variant is not present in population databases (gnomAD no frequency). This variant has not been reported in the literature in individuals affected with PHOX2B-related conditions. ClinVar contains an entry for this variant (Variation ID: 3417930). Invitae Evidence Modeling of protein sequence and biophysical properties (such as structural, functional, and spatial information, amino acid conservation, physicochemical variation, residue mobility, and thermodynamic stability) indicates that this missense variant is expected to disrupt PHOX2B protein function with a positive predictive value of 80%. In summary, the available evidence is currently insufficient to determine the role of this variant in disease. Therefore, it has been classified as a Variant of Uncertain Significance.

Ambry Genetics
Classification: Uncertain significance for Hereditary cancer-predisposing syndrome. Last evaluated: 2024-09-11. Review status: criteria provided, single submitter. Criteria: Ambry Variant Classification Scheme 2023. Collection method: clinical testing. Allele origin: germline.
Comment: The p.Y83C variant (also known as c.248A>G), located in coding exon 2 of the PHOX2B gene, results from an A to G substitution at nucleotide position 248. The tyrosine at codon 83 is replaced by cysteine, an amino acid with highly dissimilar properties. This amino acid position is highly conserved in available vertebrate species. In addition, the in silico prediction for this alteration is inconclusive. Based on the available evidence, the clinical significance of this variant remains unclear.

NM_003924.4(PHOX2B):c.248A>G (p.Tyr83Cys)

Gene: PHOX2B (paired like homeobox 2B; minus strand). Cytogenetic location: 4p13.
Variant type: single nucleotide variant.
Coding change: c.248A>G on transcript NM_003924.4 (MANE Select); coding-DNA position 248, A replaced by G.
Protein change: p.Tyr83Cys; replaces tyrosine 83 with cysteine.
Molecular consequence: missense variant.
Genome position (GRCh38, 1-based): chr4:41,747,530, T>C on the plus strand (A>G on the coding strand, the complement: PHOX2B is on the minus strand). VCF-style: chr4-41747530-T-C. GRCh37 (hg19) VCF-style: chr4-41749547-T-C.
Other names: short protein forms Y83C.
Identifiers: ClinVar variation 3417930 (VCV003417930.2).
Genomic context (GRCh38, chr4:41,747,530, plus strand): 5'-GTGCGGATGCGCCGCTGCTTGCGCTTCTCGTTGAGGCCGCCGTGGTCCGTGAAGAGTTTG[T>C]AAGGAACTAGAGTATGACAGAGGAGACAGAAAGTGAGCAAATCAGCCGGCAGCTCGCCGG-3'
Protein context (NP_003915.2, residues 73-93): HQSSPYAAVP[Tyr83Cys]KLFTDHGGLN